The following is an entry in ClinVar:

ClinVar aggregate classification (germline): Likely benign. Review status: criteria provided, multiple submitters, no conflicts (2 of 4 stars). 4 submissions from 4 submitters: Likely benign (4). Last evaluated 2026-08-01.

Conditions:
Cardiomyopathy (CMYO). Also called: Cardiomyopathies. Identifiers: Orphanet 167848, MedGen C0878544, MONDO:0004994, HP:0001638. Inheritance: Various modes of inheritance.
Cardiovascular phenotype. Identifiers: MedGen CN230736.
Arrhythmogenic cardiomyopathy with wooly hair and keratoderma. Also called: Dilated cardiomyopathy with woolly hair and keratoderma; Arrhythmogenic cardiomyopathy with woolly hair and keratoderma; PALMOPLANTAR KERATODERMA WITH LEFT VENTRICULAR CARDIOMYOPATHY AND WOOLLY HAIR; Carvajal syndrome. Identifiers: Orphanet 65282, MedGen C1854063, MONDO:0011581, OMIM 605676.
Arrhythmogenic right ventricular dysplasia 8 (ARVD8). Also called: Arrhythmogenic Right Ventricular Dysplasia/Cardiomyopathy 8; ARRHYTHMOGENIC RIGHT VENTRICULAR DYSPLASIA, FAMILIAL, 8; ARRHYTHMOGENIC RIGHT VENTRICULAR CARDIOMYOPATHY 8. Identifiers: MedGen C1843896, MONDO:0011831, OMIM 607450.

Submissions (4):

CeGaT Center for Human Genetics Tuebingen
Classification: Likely benign. Last evaluated: 2026-08-01. Review status: criteria provided, single submitter. Criteria: CeGaT Center For Human Genetics Tuebingen Variant Classification Criteria Version 2. Collection method: clinical testing. Allele origin: germline. Affected: yes. Observed: 2 variant alleles.
Comment: DSP: BP4, BP7

Labcorp Genetics (formerly Invitae), Labcorp
Classification: Likely benign for Arrhythmogenic cardiomyopathy with wooly hair and keratoderma; Arrhythmogenic right ventricular dysplasia 8. Last evaluated: 2025-12-17. Review status: criteria provided, single submitter. Criteria: Invitae Variant Classification Sherloc (09022015). Collection method: clinical testing. Allele origin: germline.

Ambry Genetics
Classification: Likely benign for Cardiovascular phenotype. Last evaluated: 2023-08-25. Review status: criteria provided, single submitter. Criteria: Ambry Variant Classification Scheme 2023. Collection method: clinical testing. Allele origin: germline.

Color Diagnostics, LLC DBA Color Health
Classification: Likely benign for Cardiomyopathy. Last evaluated: 2022-11-06. Review status: criteria provided, single submitter. Criteria: ACMG Guidelines, 2015. Collection method: clinical testing. Allele origin: germline.

NM_004415.4(DSP):c.8505C>G (p.Ser2835=)

Gene: DSP (desmoplakin; plus strand). Cytogenetic location: 6p24.3.
Variant type: single nucleotide variant.
Coding change: c.8505C>G on transcript NM_004415.4 (MANE Select); coding-DNA position 8505, C replaced by G.
Protein change: p.Ser2835=; no amino-acid change (serine 2835 retained).
Molecular consequence: synonymous variant.
Genome position (GRCh38, 1-based): chr6:7,585,767, C>G. VCF-style: chr6-7585767-C-G. GRCh37 (hg19) VCF-style: chr6-7586000-C-G.
Other names: c.6708C>G, p.Ser2236= (NM_001008844.3); c.7176C>G, p.Ser2392= (NM_001319034.2).
Identifiers: ClinVar variation 2610450 (VCV002610450.7), dbSNP rs1381413030, ClinGen allele CA448531256.
Genomic context (GRCh38, chr6:7,585,767, plus strand): 5'-CCCTTACAACATGTCTTCGGCTCCGGGGTCCCGCTCCGGCTCCCGCTCGGGATCTCGCTC[C>G]GGATCTCGCTCCGGGTCCCGCAGTGGGTCCCGGAGAGGAAGCTTTGACGCCACAGGGAAT-3'
Protein context (NP_004406.2, residues 2825-2845): SRSGSRSGSR[Ser2835=]GSRSGSRSGS